The following is an entry in ClinVar:

ClinVar aggregate classification (germline): Uncertain significance (1 of 4 stars; one submission).

Conditions:
Neurofibromatosis, type 2 (SWNV). Also called: BILATERAL ACOUSTIC NEUROFIBROMATOSIS; SCHWANNOMATOSIS, VESTIBULAR; NF2-Related Schwannomatosis. Identifiers: Orphanet 637, MedGen C0027832, MONDO:0007039, OMIM 101000. Disease mechanism: loss of function.

Submission:

Labcorp Genetics (formerly Invitae), Labcorp
Classification: Uncertain significance for Neurofibromatosis, type 2. Last evaluated: 2025-08-31. Review status: criteria provided, single submitter. Criteria: Invitae Variant Classification Sherloc (09022015). Collection method: clinical testing. Allele origin: germline.
Comment: This sequence change falls in intron 13 of the NF2 gene. It does not directly change the encoded amino acid sequence of the NF2 protein. It affects a nucleotide within the consensus splice site. This variant is not present in population databases (gnomAD no frequency). This variant has not been reported in the literature in individuals affected with NF2-related conditions. ClinVar contains an entry for this variant (Variation ID: 965211). Variants that disrupt the consensus splice site are a relatively common cause of aberrant splicing (PMID: 17576681, 9536098). Studies have shown that this variant is associated with inconclusive levels of altered splicing (internal data). In summary, the available evidence is currently insufficient to determine the role of this variant in disease. Therefore, it has been classified as a Variant of Uncertain Significance.

Literature cited by the submitters: PubMed 17576681; PubMed 9536098.

NM_000268.4(NF2):c.1446+5G>T

Gene: NF2 (NF2, moesin-ezrin-radixin like (MERLIN) tumor suppressor; plus strand). Cytogenetic location: 22q12.2.
Variant type: single nucleotide variant.
Coding change: c.1446+5G>T on transcript NM_000268.4 (MANE Select); 5 bases into the intron after coding-DNA position 1446, G replaced by T.
Molecular consequence: intron variant.
Genome position (GRCh38, 1-based): chr22:29,674,946, G>T. VCF-style: chr22-29674946-G-T. GRCh37 (hg19) VCF-style: chr22-30070935-G-T.
Other names: c.1446+5G>T (NM_016418.5, NM_181832.3, NM_181825.3); c.448-19806G>T (NM_181833.3); c.1323+5G>T (NM_181829.3); c.1320+5G>T (NM_181828.3); c.1197+5G>T (NM_181830.3, NM_181831.3).
Identifiers: ClinVar variation 965211 (VCV000965211.4), dbSNP rs367829184, ClinGen allele CA1139667064.